The following is an entry in ClinVar:

NM_001261.4(CDK9):c.368T>G (p.Leu123Arg)

Gene: CDK9 (cyclin dependent kinase 9; plus strand). Cytogenetic location: 9q34.11.
Variant type: single nucleotide variant.
Coding change: c.368T>G on transcript NM_001261.4 (MANE Select); coding-DNA position 368, T replaced by G.
Protein change: p.Leu123Arg; replaces leucine 123 with arginine.
Molecular consequence: missense variant.
Genome position (GRCh38, 1-based): chr9:127,788,049, T>G. VCF-style: chr9-127788049-T-G. GRCh37 (hg19) VCF-style: chr9-130550328-T-G.
Other names: short protein forms L123R.
Identifiers: ClinVar variation 2430993 (VCV002430993.1), dbSNP rs772377103, ClinGen allele CA5251709.

ClinVar aggregate classification (germline): Uncertain significance (1 of 4 stars; one submission).

Allele frequency attached by ClinVar (database versions not stated): TOPMed 0.00002; ExAC 0.00003; gnomAD 0.00003.
gnomAD v4.1: 55 of 1,614,142 alleles (0.0034%); highest among the groups gnomAD compares: Non-Finnish European, 0.0047%; no homozygotes.

Submission:

GeneDx
Classification: Uncertain significance. Last evaluated: 2022-08-17. Review status: criteria provided, single submitter. Criteria: GeneDx Variant Classification Process June 2021. Collection method: clinical testing. Allele origin: germline. Affected: yes.
Comment: In silico analysis supports that this missense variant has a deleterious effect on protein structure/function; Has not been previously published as pathogenic or benign to our knowledge